The following is an entry in ClinVar:

ClinVar aggregate classification (germline): Likely benign (1 of 4 stars; one submission).

Allele frequency attached by ClinVar (database versions not stated): TOPMed 0.02217 and 0.02958; 1000 Genomes Project 0.02276.
gnomAD v4.1: 3,632 of 129,464 alleles (2.8%); highest among the groups gnomAD compares: Admixed American, 12%; 122 homozygotes.

Submission:

GeneDx
Classification: Likely benign. Last evaluated: 2018-06-14. Review status: criteria provided, single submitter. Criteria: GeneDx Variant Classification (06012015). Collection method: clinical testing. Allele origin: germline. Affected: yes.
Comment: This variant is considered likely benign or benign based on one or more of the following criteria: it is a conservative change, it occurs at a poorly conserved position in the protein, it is predicted to be benign by multiple in silico algorithms, and/or has population frequency not consistent with disease.

NM_004092.4(ECHS1):c.619+208T>C

Gene: ECHS1 (enoyl-CoA hydratase, short chain 1; minus strand). Cytogenetic location: 10q26.3.
Variant type: single nucleotide variant.
Coding change: c.619+208T>C on transcript NM_004092.4 (MANE Select); 208 bases into the intron after coding-DNA position 619, T replaced by C.
Molecular consequence: intron variant.
Genome position (GRCh38, 1-based): chr10:133,366,681, A>G on the plus strand (T>C on the coding strand, the complement: ECHS1 is on the minus strand). VCF-style: chr10-133366681-A-G. GRCh37 (hg19) VCF-style: chr10-135180185-A-G.
Identifiers: ClinVar variation 672547 (VCV000672547.1), dbSNP rs144031547, ClinGen allele CA216816004.